The following is an entry in ClinVar:

ClinVar aggregate classification (germline): Uncertain significance. Review status: criteria provided, multiple submitters, no conflicts (2 of 4 stars). 2 submissions from 2 submitters: Uncertain significance (2). Last evaluated 2025-08-09.

Conditions:
Inborn genetic diseases. Identifiers: MedGen C0950123, MeSH D030342.

Allele frequency attached by ClinVar (database versions not stated): gnomAD exomes below 0.00001; TOPMed 0.00001; ExAC 0.00002.

Submissions (2):

Ambry Genetics
Classification: Uncertain significance for Inborn genetic diseases. Last evaluated: 2025-08-09. Review status: criteria provided, single submitter. Criteria: Ambry Variant Classification Scheme 2023. Collection method: clinical testing. Allele origin: germline.

Labcorp Genetics (formerly Invitae), Labcorp
Classification: Uncertain significance. Last evaluated: 2022-08-09. Review status: criteria provided, single submitter. Criteria: Invitae Variant Classification Sherloc (09022015). Collection method: clinical testing. Allele origin: germline.
Comment: This sequence change replaces histidine, which is basic and polar, with arginine, which is basic and polar, at codon 732 of the AARS2 protein (p.His732Arg). In summary, the available evidence is currently insufficient to determine the role of this variant in disease. Therefore, it has been classified as a Variant of Uncertain Significance. Advanced modeling of protein sequence and biophysical properties (such as structural, functional, and spatial information, amino acid conservation, physicochemical variation, residue mobility, and thermodynamic stability) performed at Invitae indicates that this missense variant is not expected to disrupt AARS2 protein function. This variant has not been reported in the literature in individuals affected with AARS2-related conditions. This variant is present in population databases (rs778875250, gnomAD 0.004%).

NM_020745.4(AARS2):c.2195A>G (p.His732Arg)

Gene: AARS2 (alanyl-tRNA synthetase 2, mitochondrial; minus strand). Cytogenetic location: 6p21.1.
Variant type: single nucleotide variant.
Coding change: c.2195A>G on transcript NM_020745.4 (MANE Select); coding-DNA position 2195, A replaced by G.
Protein change: p.His732Arg; replaces histidine 732 with arginine.
Molecular consequence: missense variant.
Genome position (GRCh38, 1-based): chr6:44,303,126, T>C on the plus strand (A>G on the coding strand, the complement: AARS2 is on the minus strand). VCF-style: chr6-44303126-T-C. GRCh37 (hg19) VCF-style: chr6-44270863-T-C.
Other names: c.2195A>G (NM_020745.2); short protein forms H732R.
Identifiers: ClinVar variation 2045382 (VCV002045382.5), dbSNP rs778875250, ClinGen allele CA3834066.